The following is an entry in ClinVar:

ClinVar aggregate classification (germline): Likely pathogenic (0 of 4 stars; one submission).

Conditions:
CENPF-related disorder. Also called: CENPF-related condition.

gnomAD v4.1: 10 of 1,614,008 alleles (0.00062%); highest among the groups gnomAD compares: African/African-American, 0.0013%; no homozygotes.

Submission:

PreventionGenetics, part of Exact Sciences
Classification: Likely pathogenic for CENPF-related condition. Last evaluated: 2024-03-22. Review status: no assertion criteria provided. Collection method: clinical testing. Allele origin: germline.
Comment: The CENPF c.6100C>T variant is predicted to result in premature protein termination (p.Gln2034*). To our knowledge, this variant has not been reported in the literature. This variant is reported in 0.0027% of alleles in individuals of European (Non-Finnish) descent in gnomAD. Nonsense variants in CENPF are expected to be pathogenic. This variant is interpreted as likely pathogenic.

NM_016343.4(CENPF):c.6100C>T (p.Gln2034Ter)

Gene: CENPF (centromere protein F; plus strand). Cytogenetic location: 1q41.
Variant type: single nucleotide variant.
Coding change: c.6100C>T on transcript NM_016343.4 (MANE Select); coding-DNA position 6100, C replaced by T.
Protein change: p.Gln2034Ter; replaces glutamine 2034 with a stop codon.
Molecular consequence: nonsense.
Genome position (GRCh38, 1-based): chr1:214,645,670, C>T. VCF-style: chr1-214645670-C-T. GRCh37 (hg19) VCF-style: chr1-214819013-C-T.
Other names: short protein forms Q2034*.
Identifiers: ClinVar variation 3354309 (VCV003354309.1).